The following is an entry in ClinVar:

ClinVar aggregate classification (germline): Pathogenic (1 of 4 stars; one submission).

Submission:

Labcorp Genetics (formerly Invitae), Labcorp
Classification: Pathogenic. Last evaluated: 2025-02-20. Review status: criteria provided, single submitter. Criteria: Invitae Variant Classification Sherloc (09022015). Collection method: clinical testing. Allele origin: germline.
Comment: This sequence change creates a premature translational stop signal (p.Tyr1234Profs*7) in the PIK3C2A gene. It is expected to result in an absent or disrupted protein product. Loss-of-function variants in PIK3C2A are known to be pathogenic (PMID: 31034465). This variant is not present in population databases (gnomAD no frequency). This variant has not been reported in the literature in individuals affected with PIK3C2A-related conditions. For these reasons, this variant has been classified as Pathogenic.

Literature cited by the submitters: PubMed 31034465.

NM_002645.4(PIK3C2A):c.3699_3702del (p.Tyr1234fs)

Gene: PIK3C2A (phosphatidylinositol-4-phosphate 3-kinase catalytic subunit type 2 alpha; minus strand). Cytogenetic location: 11p15.1.
Variant type: Deletion.
Coding change: c.3699_3702del on transcript NM_002645.4 (MANE Select); coding-DNA positions 3699 to 3702, 4 bases deleted (CTAT; older notation c.3699_3702delCTAT).
Protein change: p.Tyr1234fs; shifts the reading frame from tyrosine 1234.
Molecular consequence: frameshift variant.
Genome position (GRCh38, 1-based): chr11:17,102,811-17,102,814, ATAG deleted on the plus strand (CTAT on the coding strand, the reverse complement: PIK3C2A is on the minus strand); deleting any 4 consecutive bases within chr11:17,102,811-17,102,817 gives the same sequence; the c. name uses the placement nearest the transcript's 3' end. VCF-style (leftmost placement, unchanged base first): chr11-17102810-AATAG-A. GRCh37 (hg19) VCF-style: chr11-17124357-AATAG-A.
Other names: c.3699_3702del, p.Tyr1234fs (NM_001321378.2); c.2559_2562del, p.Tyr854fs (NM_001321380.2); c.3531_3534del, p.Tyr1178fs (NM_001386870.1); short protein forms Y1178fs, Y854fs, Y1234fs.
Identifiers: ClinVar variation 4759668 (VCV004759668.1).